The following is an entry in ClinVar:

ClinVar aggregate classification (germline): Uncertain significance (1 of 4 stars; one submission).

Conditions:
Inborn genetic diseases. Identifiers: MedGen C0950123, MeSH D030342.

Submission:

Ambry Genetics
Classification: Uncertain significance for Inborn genetic diseases. Last evaluated: 2024-11-20. Review status: criteria provided, single submitter. Criteria: Ambry Variant Classification Scheme 2023. Collection method: clinical testing. Allele origin: germline.
Comment: The p.A849S variant (also known as c.2545G>T), located in coding exon 1 of the SAMD9L gene, results from a G to T substitution at nucleotide position 2545. The alanine at codon 849 is replaced by serine, an amino acid with similar properties. This amino acid position is conserved. In addition, this alteration is predicted to be tolerated by in silico analysis. Based on the available evidence, the clinical significance of this variant remains unclear.

NM_152703.5(SAMD9L):c.2545G>T (p.Ala849Ser)

Gene: SAMD9L (sterile alpha motif domain containing 9 like; minus strand). Cytogenetic location: 7q21.2.
Variant type: single nucleotide variant.
Coding change: c.2545G>T on transcript NM_152703.5 (MANE Select); coding-DNA position 2545, G replaced by T.
Protein change: p.Ala849Ser; replaces alanine 849 with serine.
Molecular consequence: missense variant.
Genome position (GRCh38, 1-based): chr7:93,133,427, C>A on the plus strand (G>T on the coding strand, the complement: SAMD9L is on the minus strand). VCF-style: chr7-93133427-C-A. GRCh37 (hg19) VCF-style: chr7-92762740-C-A.
Other names: c.2545G>T, p.Ala849Ser (NM_001303496.3, NM_001303497.3, NM_001303498.3 and 5 more transcripts); short protein forms A849S.
Identifiers: ClinVar variation 3437147 (VCV003437147.1).
Genomic context (GRCh38, chr7:93,133,427, plus strand): 5'-AAGCTCTTTGTTCCTTGGAAGAAAGTTGGTAATTTAGTGCAATACTGTCTGCCAATTTTG[C>A]ACTTTCATCTGGATTCCGGGATCTCATGCAGTTTAAGATAATTACCAATGTTTTTTCATA-3'
Protein context (NP_689916.2, residues 839-859): CMRSRNPDES[Ala849Ser]KLADSIALNY